The following is an entry in ClinVar:

ClinVar aggregate classification (germline): Likely benign. Review status: criteria provided, multiple submitters, no conflicts (2 of 4 stars). 2 submissions from 2 submitters: Likely benign (2). Last evaluated 2025-06-23.

Conditions:
Nemaline myopathy 2 (NEM2). Also called: Nemaline myopathy 2, autosomal recessive. Identifiers: MedGen C1850569, MONDO:0009725, OMIM 256030.

Allele frequency attached by ClinVar (database versions not stated): gnomAD exomes below 0.00001 and 0.00002; TOPMed 0.00001.
gnomAD v4.1: 4 of 1,464,598 alleles (0.00027%); highest among the groups gnomAD compares: Admixed American, 0.0075%; no homozygotes.

Submissions (2):

Labcorp Genetics (formerly Invitae), Labcorp
Classification: Likely benign for Nemaline myopathy 2. Last evaluated: 2025-06-23. Review status: criteria provided, single submitter. Criteria: Invitae Variant Classification Sherloc (09022015). Collection method: clinical testing. Allele origin: germline.

GeneDx
Classification: Likely benign. Last evaluated: 2016-04-27. Review status: criteria provided, single submitter. Criteria: GeneDx Variant Classification (06012015). Collection method: clinical testing. Allele origin: germline. Affected: yes.
Comment: This variant is considered likely benign or benign based on one or more of the following criteria: it is a conservative change, it occurs at a poorly conserved position in the protein, it is predicted to be benign by multiple in silico algorithms, and/or has population frequency not consistent with disease.

NM_001164508.2(NEB):c.21208-11G>A

Gene: NEB (nebulin; minus strand). Cytogenetic location: 2q23.3.
Variant type: single nucleotide variant.
Coding change: c.21208-11G>A on transcript NM_001164508.2 (MANE Select); 11 bases into the intron before coding-DNA position 21208, G replaced by A.
Molecular consequence: intron variant.
Genome position (GRCh38, 1-based): chr2:151,535,806, C>T on the plus strand (G>A on the coding strand, the complement: NEB is on the minus strand). VCF-style: chr2-151535806-C-T. GRCh37 (hg19) VCF-style: chr2-152392320-C-T.
Other names: c.16105-11G>A (NM_004543.5); c.21208-11G>A (NM_001164507.2, NM_001271208.2).
Identifiers: ClinVar variation 385238 (VCV000385238.5), dbSNP rs1057522156, ClinGen allele CA16603941.